The following is an entry in ClinVar:

ClinVar aggregate classification (germline): Pathogenic (1 of 4 stars; one submission).

Conditions:
Cornelia de Lange syndrome 1 (CDLS1). Also called: Brachmann de Lange syndrome; NIPBL-Related Cornelia de Lange Syndrome; TYPUS DEGENERATIVUS AMSTELODAMENSIS. Identifiers: Orphanet 199, MedGen C4551851, MONDO:0007387, OMIM 122470.

Submission:

Women's Health and Genetics/Laboratory Corporation of America, LabCorp
Classification: Pathogenic for Cornelia de Lange syndrome 1. Last evaluated: 2024-02-22. Review status: criteria provided, single submitter. Criteria: LabCorp Variant Classification Summary - May 2015. Collection method: clinical testing. Allele origin: germline.
Comment: Variant summary: NIPBL c.3547dupG (p.Ala1183GlyfsX3) results in a premature termination codon, predicted to cause a truncation of the encoded protein or absence of the protein due to nonsense mediated decay, which are commonly known mechanisms for disease. The variant was absent in 250432 control chromosomes. To our knowledge, no occurrence of c.3547dupG in individuals affected with Cornelia De Lange Syndrome 1 and no experimental evidence demonstrating its impact on protein function have been reported. No submitters have cited clinical-significance assessments for this variant to ClinVar. Based on the evidence outlined above, the variant was classified as pathogenic.

NM_133433.4(NIPBL):c.3547dup (p.Ala1183fs)

Gene: NIPBL (NIPBL cohesin loading factor; plus strand). Cytogenetic location: 5p13.2.
Variant type: Duplication.
Coding change: c.3547dup on transcript NM_133433.4 (MANE Select); coding-DNA position 3547, one base duplicated (G; older notation c.3547dupG).
Protein change: p.Ala1183fs; shifts the reading frame from alanine 1183.
Molecular consequence: frameshift variant.
Genome position (GRCh38, 1-based): chr5:37,000,861, G duplicated. VCF-style (leftmost placement, unchanged base first): chr5-37000860-A-AG. GRCh37 (hg19) VCF-style: chr5-37000962-A-AG.
Other names: c.3547dup, p.Ala1183fs (NM_015384.5); c.3547dupG (NM_133433.4); short protein forms A1183fs.
Identifiers: ClinVar variation 3068817 (VCV003068817.2), dbSNP rs2478086177, ClinGen allele CA2825001416.
Genomic context (GRCh38, chr5:37,000,860, plus strand): 5'-CTTTTTGTTCGTTTTAGTTGCTAGGAAAATGAAGAAAAAAGAAAAACAGAAGAAAAGGAA[A>AG]GCATATGAACCAAAACTAACACCTGAAGGTAACACGTTAGTTTATTTAATTTGTCTTTAT-3'